The following is an entry in ClinVar:

ClinVar aggregate classification (germline): Uncertain significance (1 of 4 stars; one submission).

Conditions:
Hereditary cancer-predisposing syndrome. Also called: Neoplastic Syndromes, Hereditary; Tumor predisposition; Hereditary Cancer Syndrome; Hereditary neoplastic syndrome. Identifiers: Orphanet 140162, MedGen C0027672, MeSH D009386, MONDO:0015356.

Submission:

Ambry Genetics
Classification: Uncertain significance for Hereditary cancer-predisposing syndrome. Last evaluated: 2016-05-25. Review status: criteria provided, single submitter. Criteria: Ambry Variant Classification Scheme 2023. Collection method: clinical testing. Allele origin: germline.
Comment: The p.R707G variant (also known as c.2119A>G), located in coding exon 19 of the MRE11A gene, results from an A to G substitution at nucleotide position 2119. The arginine at codon 707 is replaced by glycine, an amino acid with dissimilar properties. This variant was not reported in population based cohorts in the following databases: Database of Single Nucleotide Polymorphisms (dbSNP), NHLBI Exome Sequencing Project (ESP), and 1000 Genomes Project. In the ESP, this variant was not observed in 6487 samples (12974 alleles) with coverage at this position. To date, this alteration has been detected with an allele frequency of approximately 0.001% (greater than 175000 alleles tested) in our clinical cohort. This amino acid position is highly conserved in available vertebrate species. In addition, the in silico prediction for this alteration is inconclusive. Since supporting evidence is limited at this time, the clinical significance of this alteration remains unclear.

NM_005591.4(MRE11):c.2119A>G (p.Arg707Gly)

Gene: MRE11 (MRE11 double strand break repair nuclease; minus strand). Cytogenetic location: 11q21.
Variant type: single nucleotide variant.
Coding change: c.2119A>G on transcript NM_005591.4 (MANE Select); coding-DNA position 2119, A replaced by G.
Protein change: p.Arg707Gly; replaces arginine 707 with glycine.
Molecular consequence: missense variant.
Genome position (GRCh38, 1-based): chr11:94,420,133, T>C on the plus strand (A>G on the coding strand, the complement: MRE11 is on the minus strand). VCF-style: chr11-94420133-T-C. GRCh37 (hg19) VCF-style: chr11-94153299-T-C.
Other names: c.2116A>G, p.Arg706Gly (NM_001330347.2); c.2035A>G, p.Arg679Gly (NM_005590.4); short protein forms R707G, R706G, R679G.
Identifiers: ClinVar variation 483619 (VCV000483619.5), dbSNP rs1554996680, ClinGen allele CA382372514.
Genomic context (GRCh38, chr11:94,420,133, plus strand): 5'-AACATTTTCATTTTTCCTGTATCTTGCATGTTTCTCAGTGCCATTAAATATATTATCTTC[T>C]ATTTCTTCTTAAAGAACTAGTGTTCATAAAAGGATCATCATCATCATCCTGAAATGAGAT-3'
Protein context (NP_005582.1, residues 697-708): FMNTSSLRRN[Arg707Gly]R